The following is an entry in ClinVar:

ClinVar aggregate classification (germline): Pathogenic. Review status: criteria provided, multiple submitters, no conflicts (2 of 4 stars). 4 submissions from 4 submitters: Pathogenic (3). 1 of the submissions does not count toward it. Last evaluated 2024-02-14.

Conditions:
Hereditary cancer-predisposing syndrome. Also called: Hereditary neoplastic syndrome; Neoplastic Syndromes, Hereditary; Tumor predisposition; Hereditary Cancer Syndrome. Identifiers: Orphanet 140162, MedGen C0027672, MeSH D009386, MONDO:0015356.
Familial cancer of breast. Also called: BREAST CANCER, FAMILIAL; Hereditary breast cancer; hereditary breast carcinoma. Identifiers: Orphanet 227535, MedGen C0346153, MONDO:0016419, OMIM 114480. Disease mechanism: loss of function.

Submissions (4):

Myriad Genetics, Inc.
Classification: Pathogenic for Familial cancer of breast. Last evaluated: 2024-02-14. Review status: criteria provided, single submitter. Criteria: Myriad Autosomal Dominant, Autosomal Recessive and X-Linked Classification Criteria (2023). Collection method: clinical testing. Allele origin: unknown.
Comment: This variant is considered pathogenic. This variant creates a termination codon and is predicted to result in premature protein truncation.

Ambry Genetics
Classification: Pathogenic for Hereditary cancer-predisposing syndrome. Last evaluated: 2023-11-21. Review status: criteria provided, single submitter. Criteria: Ambry Variant Classification Scheme 2023. Collection method: clinical testing. Allele origin: germline.
Comment: The p.E658* pathogenic mutation (also known as c.1972G>T), located in coding exon 5 of the PALB2 gene, results from a G to T substitution at nucleotide position 1972. This changes the amino acid from a glutamic acid to a stop codon within coding exon 5. This variant was identified in a cohort of 767 high-risk breast and/or ovarian cancer patients (Cast&eacute;ra L et al. Eur J Hum Genet, 2014 Nov;22:1305-13). This variant is considered to be rare based on population cohorts in the Genome Aggregation Database (gnomAD). In addition to the clinical data presented in the literature, this alteration is expected to result in loss of function by premature protein truncation or nonsense-mediated mRNA decay. As such, this alteration is interpreted as a disease-causing mutation.

Labcorp Genetics (formerly Invitae), Labcorp
Classification: Pathogenic for Familial cancer of breast. Last evaluated: 2022-09-03. Review status: criteria provided, single submitter. Criteria: Invitae Variant Classification Sherloc (09022015). Collection method: clinical testing. Allele origin: germline.
Comment: For these reasons, this variant has been classified as Pathogenic. ClinVar contains an entry for this variant (Variation ID: 830154). This premature translational stop signal has been observed in individual(s) with personal and/or family history of hereditary breast and ovarian cancer (PMID: 24549055). This variant is not present in population databases (gnomAD no frequency). This sequence change creates a premature translational stop signal (p.Glu658*) in the PALB2 gene. It is expected to result in an absent or disrupted protein product. Loss-of-function variants in PALB2 are known to be pathogenic (PMID: 17200668, 17200671, 17200672, 24136930, 25099575).

Leiden Open Variation Database
Classification: Pathogenic for Familial cancer of breast. Last evaluated: 2019-05-13. Review status: no assertion criteria provided. Collection method: curation. Allele origin: germline. Affected: yes. Not counted in ClinVar's aggregate classification.
Comment: Curators: Marc Tischkowitz, Arleen D. Auerbach. Submitter to LOVD: Marc Tischkowitz.

Literature cited by the submitters: PubMed 24549055 (cited by 3 submitters); PubMed 17200668 (cited by Labcorp Genetics (formerly Invitae), Labcorp); PubMed 17200671 (cited by Labcorp Genetics (formerly Invitae), Labcorp); PubMed 17200672 (cited by Labcorp Genetics (formerly Invitae), Labcorp); PubMed 24136930 (cited by Labcorp Genetics (formerly Invitae), Labcorp); PubMed 25099575 (cited by Labcorp Genetics (formerly Invitae), Labcorp).

NM_024675.4(PALB2):c.1972G>T (p.Glu658Ter)

Gene: PALB2 (partner and localizer of BRCA2; minus strand). Cytogenetic location: 16p12.2.
Variant type: single nucleotide variant.
Coding change: c.1972G>T on transcript NM_024675.4 (MANE Select); coding-DNA position 1972, G replaced by T.
Protein change: p.Glu658Ter; replaces glutamic acid 658 with a stop codon.
Molecular consequence: nonsense.
Genome position (GRCh38, 1-based): chr16:23,630,182, C>A on the plus strand (G>T on the coding strand, the complement: PALB2 is on the minus strand). VCF-style: chr16-23630182-C-A. GRCh37 (hg19) VCF-style: chr16-23641503-C-A.
Other names: short protein forms E658*.
Identifiers: ClinVar variation 830154 (VCV000830154.7), dbSNP rs1555460542, ClinGen allele CA395127308.